The following is an entry in ClinVar:

ClinVar aggregate classification (germline): Pathogenic (1 of 4 stars; one submission).

Conditions:
TARP syndrome (TARPS). Also called: PIERRE ROBIN SYNDROME WITH CONGENITAL HEART MALFORMATION AND CLUBFOOT; TALIPES EQUINOVARUS, ATRIAL SEPTAL DEFECT, ROBIN SEQUENCE, AND PERSISTENCE OF LEFT SUPERIOR VENA CAVA. Identifiers: Orphanet 2886, MedGen C1839463, MONDO:0010711, OMIM 311900.

Submission:

Victorian Clinical Genetics Services, Murdoch Childrens Research Institute
Classification: Pathogenic for TARP syndrome. Last evaluated: 2023-07-17. Review status: criteria provided, single submitter. Criteria: ACMG Guidelines, 2015. Collection method: clinical testing. Allele origin: germline. Inheritance: X-linked recessive inheritance. Affected: yes.
Comment: Based on the classification scheme VCGS_Germline_v1.3.4, this variant is classified as Pathogenic. Following criteria are met: 0102 - Loss of function is a known mechanism of disease in this gene and is associated with TARP syndrome (MIM#311900). (I) 0109 - This gene is associated with X-linked recessive disease. (I) 0201 - Variant is predicted to cause nonsense-mediated decay (NMD) and loss of protein (premature termination codon is located at least 54 nucleotides upstream of the final exon-exon junction). (SP) 0253 - This variant is hemizygous. (I) 0301 - Variant is absent from gnomAD (both v2 and v3). (SP) 0701 - Other NMD-predicted variants comparable to the one identified in this case have very strong previous evidence for pathogenicity. These variants have been reported as pathogenic (DECIPHER, PMID: 35991558). (SP) 0807 - This variant has no previous evidence of pathogenicity. (I) 0905 - No published segregation evidence has been identified for this variant. (I) 1007 - No published functional evidence has been identified for this variant. (I) Legend: (SP) - Supporting pathogenic, (I) - Information, (SB) - Supporting benign

Literature cited by the submitters: PubMed 35991558.

NM_005676.5(RBM10):c.579_586dup (p.Asn196fs)

Gene: RBM10 (RNA binding motif protein 10; plus strand). Cytogenetic location: Xp11.3.
Variant type: Duplication.
Coding change: c.579_586dup on transcript NM_005676.5 (MANE Select); coding-DNA positions 579 to 586, 8 bases duplicated (CTCCCTCA; older notation c.579_586dupCTCCCTCA).
Protein change: p.Asn196fs; shifts the reading frame from asparagine 196.
Molecular consequence: frameshift variant.
Genome position (GRCh38, 1-based): chrX:47,176,502-47,176,509, CTCCCTCA duplicated; duplicating any 8 consecutive bases within chrX:47,176,500-47,176,509 gives the same sequence; the c. name uses the placement nearest the transcript's 3' end. VCF-style (leftmost placement, unchanged base first): chrX-47176499-G-GCACTCCCT. GRCh37 (hg19) VCF-style: chrX-47035898-G-GCACTCCCT.
Other names: c.348_355dup, p.Asn119fs (NM_001204466.2, NM_152856.3); c.579_586dup, p.Asn196fs (NM_001204467.2); c.774_781dup, p.Asn261fs (NM_001204468.2); short protein forms N119fs, N196fs, N261fs.
Identifiers: ClinVar variation 3254884 (VCV003254884.1), dbSNP rs2520715667.